The following is an entry in ClinVar:

ClinVar aggregate classification (germline): Uncertain significance (1 of 4 stars; one submission).

gnomAD v4.1: 11 of 1,611,924 alleles (0.00068%); highest among the groups gnomAD compares: Non-Finnish European, 0.00085%; no homozygotes.

Submission:

Women's Health and Genetics/Laboratory Corporation of America, LabCorp
Classification: Uncertain significance. Last evaluated: 2024-12-11. Review status: criteria provided, single submitter. Criteria: LabCorp Variant Classification Summary - May 2015. Collection method: clinical testing. Allele origin: germline.
Comment: Variant summary: NSD1 c.236C>T (p.Ala79Val) results in a non-conservative amino acid change in the encoded protein sequence. Four of five in-silico tools predict a damaging effect of the variant on protein function. The variant was absent in 251394 control chromosomes. The available data on variant occurrences in the general population are insufficient to allow any conclusion about variant significance. To our knowledge, no occurrence of c.236C>T in individuals affected with Sotos Syndrome and no experimental evidence demonstrating its impact on protein function have been reported. No submitters have cited clinical-significance assessments for this variant to ClinVar. Based on the evidence outlined above, the variant was classified as uncertain significance.

NM_022455.5(NSD1):c.236C>T (p.Ala79Val)

Gene: NSD1 (nuclear receptor binding SET domain protein 1; plus strand). Cytogenetic location: 5q35.3.
Variant type: single nucleotide variant.
Coding change: c.236C>T on transcript NM_022455.5 (MANE Select); coding-DNA position 236, C replaced by T.
Protein change: p.Ala79Val; replaces alanine 79 with valine.
Molecular consequence: missense variant. On other transcripts: intron variant (7).
Genome position (GRCh38, 1-based): chr5:177,135,339, C>T. VCF-style: chr5-177135339-C-T. GRCh37 (hg19) VCF-style: chr5-176562340-C-T.
Other names: c.236C>T, p.Ala79Val (NM_001409301.1, NM_001409302.1, NM_001409303.1 and 1 more transcripts); c.-37+139C>T (NM_001409305.1, NM_001409306.1, NM_001409308.1 and 4 more transcripts); short protein forms A79V.
Identifiers: ClinVar variation 3768133 (VCV003768133.1).